The following is an entry in ClinVar:

NM_020639.3(RIPK4):c.*578C>A

Gene: RIPK4 (receptor interacting serine/threonine kinase 4; minus strand). Cytogenetic location: 21q22.3.
Variant type: single nucleotide variant.
Coding change: c.*578C>A on transcript NM_020639.3 (MANE Select); 578 bases downstream of the stop codon, C replaced by A.
Molecular consequence: 3 prime UTR variant.
Genome position (GRCh38, 1-based): chr21:41,740,260, G>T on the plus strand (C>A on the coding strand, the complement: RIPK4 is on the minus strand). VCF-style: chr21-41740260-G-T. GRCh37 (hg19) VCF-style: chr21-43160420-G-T.
Identifiers: ClinVar variation 339998 (VCV000339998.5), dbSNP rs17113879, ClinGen allele CA10650507.
Genomic context (GRCh38, chr21:41,740,260, plus strand): 5'-ACGCCCCGCAAAGCTGGCTGCTACCATTCGTTCCTTGTTGCATAAAACATTGTTTTCAAA[G>T]CCAACCCCACTACTTAGTCATCATTTAGAGACTAGACTATCCAATGTTATGAACATTTTT-3'

ClinVar aggregate classification (germline): Likely benign (1 of 4 stars; one submission).

Conditions:
Bartsocas-Papas syndrome 1. Also called: Bartsocas-Papas syndrome; MULTIPLE PTERYGIUM SYNDROME, ASLAN TYPE; PTERYGIUM, POPLITEAL, LETHAL TYPE. Identifiers: Orphanet 1234, MedGen C1849718, MONDO:0009901, OMIM 263650.

Allele frequency attached by ClinVar (database versions not stated): gnomAD 0.02013 and 0.02132; TOPMed 0.02229; 1000 Genomes Project 0.02656; 1000 Genomes Project 30x 0.02873.

Submission:

Illumina Laboratory Services, Illumina
Classification: Likely benign for Bartsocas-Papas syndrome 1. Last evaluated: 2017-04-27. Review status: criteria provided, single submitter. Criteria: ICSL Variant Classification Criteria 13 December 2019. Collection method: clinical testing. Allele origin: germline.
Comment: This variant was observed as part of a predisposition screen in an ostensibly healthy population. A literature search was performed for the gene, cDNA change, and amino acid change (where applicable). No publications were found based on this search. Allele frequency data from public databases allowed determination this variant is unlikely to cause disease. Therefore, this variant is classified as likely benign.